The following is an entry in ClinVar:

NM_000522.5(HOXA13):c.263G>A (p.Arg88His)

Genes: HOXA13 (homeobox A13; minus strand), LOC107126288 (NUP98-HOXA13 recombination region; plus strand). Cytogenetic location: 7p15.2.
Variant type: single nucleotide variant.
Coding change: c.263G>A on transcript NM_000522.5 (MANE Select); coding-DNA position 263, G replaced by A.
Protein change: p.Arg88His; replaces arginine 88 with histidine.
Molecular consequence: missense variant.
Genome position (GRCh38, 1-based): chr7:27,199,815, C>T on the plus strand (G>A on the coding strand, the complement: HOXA13 is on the minus strand). VCF-style: chr7-27199815-C-T. GRCh37 (hg19) VCF-style: chr7-27239434-C-T.
Other names: short protein forms R88H.
Identifiers: ClinVar variation 1307668 (VCV001307668.5), dbSNP rs1441311870, ClinGen allele CA367075199.

ClinVar aggregate classification (germline): Uncertain significance. Review status: criteria provided, multiple submitters, no conflicts (2 of 4 stars). 3 submissions from 3 submitters: Uncertain significance (3). Last evaluated 2023-06-26.

Conditions:
Inborn genetic diseases. Identifiers: MedGen C0950123, MeSH D030342.
Hand-foot-genital syndrome (HFG). Also called: HFU syndrome; HFG syndrome; Hand-Foot-Uterus Syndrome. Identifiers: Orphanet 2438, MedGen C1841679, MONDO:0007698, OMIM 140000.
Guttmacher syndrome. Identifiers: Orphanet 2957, MedGen C1867801, MONDO:0008301, OMIM 176305.

Allele frequency attached by ClinVar (database versions not stated): gnomAD exomes 0.00001.

Submissions (3):

Ambry Genetics
Classification: Uncertain significance for Inborn genetic diseases. Last evaluated: 2023-06-26. Review status: criteria provided, single submitter. Criteria: Ambry Variant Classification Scheme 2023. Collection method: clinical testing. Allele origin: germline.

Fulgent Genetics
Classification: Uncertain significance for Hand-foot-genital syndrome; Guttmacher syndrome. Last evaluated: 2022-04-05. Review status: criteria provided, single submitter. Criteria: ACMG Guidelines, 2015. Collection method: clinical testing. Allele origin: unknown.

GeneDx
Classification: Uncertain significance. Last evaluated: 2019-08-08. Review status: criteria provided, single submitter. Criteria: GeneDx Variant Classification Process June 2021. Collection method: clinical testing. Allele origin: germline. Affected: yes.
Comment: In silico analysis, which includes protein predictors and evolutionary conservation, supports that this variant does not alter protein structure/function; Has not been previously published as pathogenic or benign to our knowledge